The following is an entry in ClinVar:

ClinVar aggregate classification (germline): Likely pathogenic (1 of 4 stars; one submission).

Conditions:
Spondylocostal dysostosis 3, autosomal recessive (SCDO3). Also called: LFNG-Related Spondylocostal Dysostosis, Autosomal Recessive. Identifiers: Orphanet 2311, MedGen C1853296, MONDO:0012349, OMIM 609813.

gnomAD v4.1: 8 of 1,613,208 alleles (0.0005%); highest among the groups gnomAD compares: Non-Finnish European, 0.00068%; no homozygotes.

Submission:

Victorian Clinical Genetics Services, Murdoch Childrens Research Institute
Classification: Likely pathogenic for Spondylocostal dysostosis 3, autosomal recessive. Last evaluated: 2024-10-08. Review status: criteria provided, single submitter. Criteria: ACMG Guidelines, 2015. Collection method: clinical testing. Allele origin: germline. Inheritance: Autosomal recessive inheritance. Affected: yes.
Comment: Updated: Based on the classification scheme VCGS_Germline_v1.3.4, this variant is classified as Likely pathogenic. Following criteria are met: 0102 - Loss of function is a known mechanism of disease in this gene and is associated with spondylocostal dysostosis 3 (MIM#609813). (I) 0106 - This gene is associated with autosomal recessive disease. (I) 0211 - Canonical splice site variant without proven consequence on splicing (no functional evidence available). (SP) 0251 - This variant is heterozygous. (I) 0301 - Variant is absent from gnomAD (both v2 and v3). (SP) 0311 - An alternative nucleotide change at the same canonical splice is present in gnomAD (v3) (1 heterozygote, 0 homozygotes). (I) 0505 - Abnormal splicing is predicted by in silico tools and affected nucleotide is highly conserved. (SP) 0705 - No comparable splice site variants have previous evidence for pathogenicity. (I) 0807 - This variant has no previous evidence of pathogenicity. (I) 0905 - No published segregation evidence has been identified for this variant. (I) 1007 - No published functional evidence has been identified for this variant. (I) Legend: (SP) - Supporting pathogenic, (I) - Information, (SB) - Supporting benign

NM_001040167.2(LFNG):c.736-2A>G

Gene: LFNG (LFNG O-fucosylpeptide 3-beta-N-acetylglucosaminyltransferase; plus strand). Cytogenetic location: 7p22.3.
Variant type: single nucleotide variant.
Coding change: c.736-2A>G on transcript NM_001040167.2 (MANE Select); the canonical splice acceptor site of the intron before coding-DNA position 736, A replaced by G.
Molecular consequence: splice acceptor variant.
Genome position (GRCh38, 1-based): chr7:2,525,683, A>G. VCF-style: chr7-2525683-A-G. GRCh37 (hg19) VCF-style: chr7-2565317-A-G.
Other names: c.523-2A>G (NM_001166355.2); c.349-2A>G (NM_002304.3); c.736-2A>G (NM_001040168.2).
Identifiers: ClinVar variation 3377130 (VCV003377130.1).